The following is an entry in ClinVar:

NM_005751.5(AKAP9):c.1208A>C (p.Glu403Ala)

Gene: AKAP9 (A-kinase anchoring protein 9; plus strand). Cytogenetic location: 7q21.2.
Variant type: single nucleotide variant.
Coding change: c.1208A>C on transcript NM_005751.5 (MANE Select); coding-DNA position 1208, A replaced by C.
Protein change: p.Glu403Ala; replaces glutamic acid 403 with alanine.
Molecular consequence: missense variant.
Genome position (GRCh38, 1-based): chr7:92,001,125, A>C. VCF-style: chr7-92001125-A-C. GRCh37 (hg19) VCF-style: chr7-91630439-A-C.
Other names: c.1208A>C, p.Glu403Ala (NM_147185.3); short protein forms E403A.
Identifiers: ClinVar variation 3225013 (VCV003225013.1), dbSNP rs2484689298, ClinGen allele CA368121256.

ClinVar aggregate classification (germline): Uncertain significance (1 of 4 stars; one submission).

Conditions:
Cardiovascular phenotype. Identifiers: MedGen CN230736.

Submission:

Ambry Genetics
Classification: Uncertain significance for Cardiovascular phenotype. Last evaluated: 2023-10-02. Review status: criteria provided, single submitter. Criteria: Ambry Variant Classification Scheme 2023. Collection method: clinical testing. Allele origin: germline.
Comment: The p.E403A variant (also known as c.1208A>C), located in coding exon 8 of the AKAP9 gene, results from an A to C substitution at nucleotide position 1208. The glutamic acid at codon 403 is replaced by alanine, an amino acid with dissimilar properties. This amino acid position is conserved. In addition, this alteration is predicted to be tolerated by in silico analysis. Since supporting evidence is limited at this time, the clinical significance of this alteration remains unclear.